The following is an entry in ClinVar:

NM_001145809.2(MYH14):c.2000C>A (p.Pro667Gln)

Gene: MYH14 (myosin heavy chain 14; plus strand). Cytogenetic location: 19q13.33.
Variant type: single nucleotide variant.
Coding change: c.2000C>A on transcript NM_001145809.2 (MANE Select); coding-DNA position 2000, C replaced by A.
Protein change: p.Pro667Gln; replaces proline 667 with glutamine.
Molecular consequence: missense variant. On other transcripts: intron variant (2).
Genome position (GRCh38, 1-based): chr19:50,255,274, C>A. VCF-style: chr19-50255274-C-A. GRCh37 (hg19) VCF-style: chr19-50758531-C-A.
Other names: c.1946-2025C>A (NM_001077186.2); c.1922-2025C>A (NM_024729.4); short protein forms P667Q.
Identifiers: ClinVar variation 667269 (VCV000667269.5), dbSNP rs530921955, ClinGen allele CA9592767.

ClinVar aggregate classification (germline): Uncertain significance. Review status: criteria provided, single submitter (1 of 4 stars). 2 submissions from 2 submitters: Uncertain significance (1). 1 of the submissions does not count toward it. Last evaluated 2018-11-28.

Conditions:
MYH14-related disorder. Also called: MYH14-related condition.

Allele frequency attached by ClinVar (database versions not stated): gnomAD below 0.00001 and 0.00006; TOPMed 0.00001; gnomAD exomes 0.00011 and 0.00031; 1000 Genomes Project 30x 0.00031; 1000 Genomes Project 0.00040; ExAC 0.00076.
gnomAD v4.1: 159 of 1,551,522 alleles (0.01%); highest among the groups gnomAD compares: South Asian, 0.18%; 1 homozygote.

Submissions (2):

Laboratory for Molecular Medicine, Mass General Brigham Personalized Medicine
Classification: Uncertain significance. Last evaluated: 2018-11-28. Review status: criteria provided, single submitter. Criteria: LMM Criteria. Collection method: clinical testing. Allele origin: germline. Observed: 1 variant allele.
Comment: The p.Pro667Gln variant in MYH14 has not been previously reported in individuals with hearing loss but has been identified in 0.2% (48/22774) of South Asian chr omosomes by gnomAD (gnomAD). Computational pr ediction tools and conservation analysis do not provide strong support for or ag ainst an impact to the protein. In summary, while the clinical significance of t his variant is uncertain, its frequency suggests it is more likely benign. ACMG/ AMP Criteria applied: BS1_Supporting.

PreventionGenetics, part of Exact Sciences
Classification: Likely benign for MYH14-related condition. Last evaluated: 2024-04-03. Review status: no assertion criteria provided. Collection method: clinical testing. Allele origin: germline. Not counted in ClinVar's aggregate classification.
Comment: This variant is classified as likely benign based on ACMG/AMP sequence variant interpretation guidelines (Richards et al. 2015 PMID: 25741868, with internal and published modifications).